The following is an entry in ClinVar:

ClinVar aggregate classification (germline): Uncertain significance (1 of 4 stars; one submission).

Submission:

Labcorp Genetics (formerly Invitae), Labcorp
Classification: Uncertain significance. Last evaluated: 2024-03-16. Review status: criteria provided, single submitter. Criteria: Invitae Variant Classification Sherloc (09022015). Collection method: clinical testing. Allele origin: germline.
Comment: This sequence change replaces histidine, which is basic and polar, with tyrosine, which is neutral and polar, at codon 1834 of the ALPK3 protein (p.His1834Tyr). This variant is not present in population databases (gnomAD no frequency). This variant has not been reported in the literature in individuals affected with ALPK3-related conditions. Algorithms developed to predict the effect of missense changes on protein structure and function output the following: SIFT: "Not Available"; PolyPhen-2: "Benign"; Align-GVGD: "Not Available". The tyrosine amino acid residue is found in multiple mammalian species, which suggests that this missense change does not adversely affect protein function. In summary, the available evidence is currently insufficient to determine the role of this variant in disease. Therefore, it has been classified as a Variant of Uncertain Significance.

NM_020778.5(ALPK3):c.4894C>T (p.His1632Tyr)

Gene: ALPK3 (alpha kinase 3; plus strand). Cytogenetic location: 15q25.3.
Variant type: single nucleotide variant.
Coding change: c.4894C>T on transcript NM_020778.5 (MANE Select); coding-DNA position 4894, C replaced by T.
Protein change: p.His1632Tyr; replaces histidine 1632 with tyrosine.
Molecular consequence: missense variant.
Genome position (GRCh38, 1-based): chr15:84,868,232, C>T. VCF-style: chr15-84868232-C-T. GRCh37 (hg19) VCF-style: chr15-85411463-C-T.
Other names: short protein forms H1632Y.
Identifiers: ClinVar variation 3646348 (VCV003646348.2).
Genomic context (GRCh38, chr15:84,868,232, plus strand): 5'-CAGTGCAATGCCTACTGTGAGCTGCTGGGGCTGACACCTCTCAAGGGCCCGGAGGCGGCC[C>T]ACCCCCAAGCCAAAGCCAAAGGCTCTAAGAGTCCATCTGCTGGCAGGAAAGGCTCCCAGC-3'
Protein context (NP_065829.4, residues 1622-1642): LTPLKGPEAA[His1632Tyr]PQAKAKGSKS